The following is an entry in ClinVar:

NM_032444.4(SLX4):c.5027C>T (p.Thr1676Ile)

Gene: SLX4 (SLX4 structure-specific endonuclease subunit; minus strand). Cytogenetic location: 16p13.3.
Variant type: single nucleotide variant.
Coding change: c.5027C>T on transcript NM_032444.4 (MANE Select); coding-DNA position 5027, C replaced by T.
Protein change: p.Thr1676Ile; replaces threonine 1676 with isoleucine.
Molecular consequence: missense variant.
Genome position (GRCh38, 1-based): chr16:3,583,223, G>A on the plus strand (C>T on the coding strand, the complement: SLX4 is on the minus strand). VCF-style: chr16-3583223-G-A. GRCh37 (hg19) VCF-style: chr16-3633224-G-A.
Other names: c.5027C>T (LRG_503t1); short protein forms T1676I.
Identifiers: ClinVar variation 319146 (VCV000319146.13), dbSNP rs377544881, ClinGen allele CA10647444.
Genomic context (GRCh38, chr16:3,583,223, plus strand): 5'-ATCTGGGCGTCATCATTGAGGCCTGGAGGTGCCTCCTTGGTGGGCGACCTGCTTGGGGGT[G>A]TGATGCTTTCATGATGCTTCCTTTGATGTCGGGGGCCCTTGGTCTTAGCAGGTCCCTTGG-3'
Protein context (NP_115820.2, residues 1666-1686): RHQRKHHESI[Thr1676Ile]PPSRSPTKEA

ClinVar aggregate classification (germline): Uncertain significance. Review status: criteria provided, multiple submitters, no conflicts (2 of 4 stars). 3 submissions from 3 submitters: Uncertain significance (3). Last evaluated 2024-04-29.

Conditions:
Inborn genetic diseases. Identifiers: MedGen C0950123, MeSH D030342.
Fanconi anemia complementation group P. Also called: SLX4-Related Fanconi Anemia. Identifiers: Orphanet 84, MedGen C3469542, MONDO:0013499, OMIM 613951.
Fanconi anemia (FA). Also called: Fanconi's anemia. Identifiers: Orphanet 84, MedGen C0015625, MeSH D005199, MONDO:0019391.

gnomAD v4.1: 1 of 1,614,196 alleles (0.000062%); highest among the groups gnomAD compares: Non-Finnish European, 0.000085%; no homozygotes.

Submissions (3):

Labcorp Genetics (formerly Invitae), Labcorp
Classification: Uncertain significance for Fanconi anemia. Last evaluated: 2024-04-29. Review status: criteria provided, single submitter. Criteria: Invitae Variant Classification Sherloc (09022015). Collection method: clinical testing. Allele origin: germline.
Comment: This sequence change replaces threonine, which is neutral and polar, with isoleucine, which is neutral and non-polar, at codon 1676 of the SLX4 protein (p.Thr1676Ile). This variant is not present in population databases (gnomAD no frequency). This variant has not been reported in the literature in individuals affected with SLX4-related conditions. ClinVar contains an entry for this variant (Variation ID: 319146). An algorithm developed to predict the effect of missense changes on protein structure and function (PolyPhen-2) suggests that this variant¬†is likely to be tolerated. In summary, the available evidence is currently insufficient to determine the role of this variant in disease. Therefore, it has been classified as a Variant of Uncertain Significance.

Ambry Genetics
Classification: Uncertain significance for Inborn genetic diseases. Last evaluated: 2023-02-07. Review status: criteria provided, single submitter. Criteria: Ambry Variant Classification Scheme 2023. Collection method: clinical testing. Allele origin: germline.

Illumina Laboratory Services, Illumina
Classification: Uncertain significance for Fanconi anemia complementation group P. Last evaluated: 2018-01-13. Review status: criteria provided, single submitter. Criteria: ICSL Variant Classification Criteria 13 December 2019. Collection method: clinical testing. Allele origin: germline.